The following is an entry in ClinVar:

NM_014283.5(SUCO):c.1618C>G (p.Pro540Ala)

Gene: SUCO (SUN domain containing ossification factor; plus strand). Cytogenetic location: 1q24.3.
Variant type: single nucleotide variant.
Coding change: c.1618C>G on transcript NM_014283.5 (MANE Select); coding-DNA position 1618, C replaced by G.
Protein change: p.Pro540Ala; replaces proline 540 with alanine.
Molecular consequence: missense variant. On other transcripts: intron variant (1).
Genome position (GRCh38, 1-based): chr1:172,585,908, C>G. VCF-style: chr1-172585908-C-G. GRCh37 (hg19) VCF-style: chr1-172555048-C-G.
Other names: c.2071C>G, p.Pro691Ala (NM_016227.4); c.-31-2852C>G (NM_001282751.2); c.1507C>G, p.Pro503Ala (NM_001282750.2); short protein forms P691A, P540A, P503A.
Identifiers: ClinVar variation 2302053 (VCV002302053.4), dbSNP rs2527408576, ClinGen allele CA343740403.

ClinVar aggregate classification (germline): Uncertain significance. Review status: criteria provided, multiple submitters, no conflicts (2 of 4 stars). 2 submissions from 2 submitters: Uncertain significance (2). Last evaluated 2024-12-22.

Submissions (2):

Labcorp Genetics (formerly Invitae), Labcorp
Classification: Uncertain significance. Last evaluated: 2024-12-22. Review status: criteria provided, single submitter. Criteria: Invitae Variant Classification Sherloc (09022015). Collection method: clinical testing. Allele origin: germline.
Comment: This sequence change replaces proline, which is neutral and non-polar, with alanine, which is neutral and non-polar, at codon 540 of the SUCO protein (p.Pro540Ala). This variant is not present in population databases (gnomAD no frequency). This variant has not been reported in the literature in individuals affected with SUCO-related conditions. ClinVar contains an entry for this variant (Variation ID: 2302053). An algorithm developed to predict the effect of missense changes on protein structure and function (PolyPhen-2) suggests that this variant is likely to be tolerated. In summary, the available evidence is currently insufficient to determine the role of this variant in disease. Therefore, it has been classified as a Variant of Uncertain Significance.

Ambry Genetics
Classification: Uncertain significance. Last evaluated: 2022-07-19. Review status: criteria provided, single submitter. Criteria: Ambry Variant Classification Scheme 2023. Collection method: clinical testing. Allele origin: germline.